The following is an entry in ClinVar:

NM_006258.4(PRKG1):c.522C>T (p.Thr174=)

Gene: PRKG1 (protein kinase cGMP-dependent 1; plus strand). Cytogenetic location: 10q21.1.
Variant type: single nucleotide variant.
Coding change: c.522C>T on transcript NM_006258.4 (MANE Select); coding-DNA position 522, C replaced by T.
Protein change: p.Thr174=; no amino-acid change (threonine 174 retained).
Molecular consequence: synonymous variant.
Genome position (GRCh38, 1-based): chr10:51,467,766, C>T. VCF-style: chr10-51467766-C-T. GRCh37 (hg19) VCF-style: chr10-53227526-C-T.
Other names: c.477C>T, p.Thr159= (LRG_1135t2, NM_001098512.3); c.522C>T, p.Thr174= (LRG_1135t1).
Identifiers: ClinVar variation 510035 (VCV000510035.16), dbSNP rs369697050, ClinGen allele CA5503168.

ClinVar aggregate classification (germline): Benign/Likely benign. Review status: criteria provided, multiple submitters, no conflicts (2 of 4 stars). 4 submissions from 4 submitters: Benign (2); Likely benign (1). 1 of the submissions does not count toward it. Last evaluated 2026-01-26.

Conditions:
Aortic aneurysm, familial thoracic 8 (AAT8). Identifiers: MedGen C3809513, MONDO:0014187, OMIM 615436.
Familial thoracic aortic aneurysm and aortic dissection (TAAD). Also called: Thoracic aortic aneurysms and dissections. Identifiers: Orphanet 91387, MedGen C4707243, MONDO:0019625.
PRKG1-related disorder. Also called: PRKG1-related condition.

Allele frequency attached by ClinVar (database versions not stated): gnomAD below 0.00001 and 0.00015; TOPMed 0.00004; gnomAD exomes 0.00023 and 0.00046; 1000 Genomes Project 30x 0.00047; ExAC 0.00056; 1000 Genomes Project 0.00060.
gnomAD v4.1: 349 of 1,612,790 alleles (0.022%); highest among the groups gnomAD compares: South Asian, 0.36%; 4 homozygotes.

Submissions (4):

Labcorp Genetics (formerly Invitae), Labcorp
Classification: Benign for Aortic aneurysm, familial thoracic 8. Last evaluated: 2026-01-26. Review status: criteria provided, single submitter. Criteria: Invitae Variant Classification Sherloc (09022015). Collection method: clinical testing. Allele origin: germline.

Ambry Genetics
Classification: Benign for Familial thoracic aortic aneurysm and aortic dissection. Last evaluated: 2021-12-23. Review status: criteria provided, single submitter. Criteria: Ambry Variant Classification Scheme 2023. Collection method: clinical testing. Allele origin: germline.

GeneDx
Classification: Likely benign. Last evaluated: 2020-12-22. Review status: criteria provided, single submitter. Criteria: GeneDx Variant Classification Process June 2021. Collection method: clinical testing. Allele origin: germline. Affected: yes.

PreventionGenetics, part of Exact Sciences
Classification: Likely benign for PRKG1-related condition. Last evaluated: 2019-04-11. Review status: no assertion criteria provided. Collection method: clinical testing. Allele origin: germline. Not counted in ClinVar's aggregate classification.
Comment: This variant is classified as likely benign based on ACMG/AMP sequence variant interpretation guidelines (Richards et al. 2015 PMID: 25741868, with internal and published modifications).